The following is an entry in ClinVar:

ClinVar aggregate classification (germline): Conflicting classifications of pathogenicity. Review status: criteria provided, conflicting classifications (1 of 4 stars). 14 submissions from 14 submitters: Uncertain significance (9); Likely benign (5). Last evaluated 2025-07-24.

Conditions:
TTN-related disorder. Also called: TTN-related condition; TTN-related disease; TTN-related disorders.
Cardiovascular phenotype. Identifiers: MedGen CN230736.
Dilated cardiomyopathy 1G (CMD1G). Identifiers: Orphanet 154, MedGen C1858763, MONDO:0011400, OMIM 604145.
Autosomal recessive limb-girdle muscular dystrophy type 2J (LGMDR10). Also called: Limb-girdle muscular dystrophy, type 2J; MUSCULAR DYSTROPHY, LIMB-GIRDLE, AUTOSOMAL RECESSIVE 10. Identifiers: Orphanet 140922, MedGen C1837342, MONDO:0012127, OMIM 608807.
Myopathy, myofibrillar, 9, with early respiratory failure (MFM9). Also called: EDSTROM MYOPATHY; MYOPATHY, PROXIMAL, WITH EARLY RESPIRATORY MUSCLE INVOLVEMENT; Hereditary myopathy with early respiratory failure; Myopathy, distal, with early respiratory failure, autosomal dominant. Identifiers: Orphanet 178464, Orphanet 34521, MedGen C1863599, MONDO:0011362, OMIM 603689.
Tibial muscular dystrophy (TMD). Also called: Udd Distal Myopathy – Tibial Muscular Dystrophy; Tibial muscular dystrophy, tardive; UDD MYOPATHY. Identifiers: Orphanet 609, MedGen C1838244, MONDO:0010870, OMIM 600334.
Early-onset myopathy with fatal cardiomyopathy (CMYO5). Also called: CONGENITAL MYOPATHY 5 WITH CARDIOMYOPATHY; Salih Myopathy. Identifiers: Orphanet 289377, MedGen C2673677, MONDO:0012714, OMIM 611705. Disease mechanism: loss of function.
Hypertrophic cardiomyopathy 9. Also called: Familial hypertrophic cardiomyopathy 9. Identifiers: MedGen C1861065, MONDO:0013412, OMIM 613765.

Allele frequency attached by ClinVar (database versions not stated): TOPMed 0.00011; gnomAD 0.00014 and 0.00015; ExAC 0.00018; ESP Exome Variant Server 0.00058.
gnomAD v4.1: 322 of 1,612,614 alleles (0.02%); highest among the groups gnomAD compares: Non-Finnish European, 0.026%; no homozygotes.

Submissions (14):

Molecular Diagnostic Laboratory for Inherited Cardiovascular Disease, Montreal Heart Institute
Classification: Likely benign. Last evaluated: 2025-07-24. Review status: criteria provided, single submitter. Criteria: ACMG Guidelines, 2015. Collection method: clinical testing. Allele origin: germline. Affected: no.
Comment: BP7

PreventionGenetics, part of Exact Sciences
Classification: Likely benign for TTN-related condition. Last evaluated: 2025-05-25. Review status: criteria provided, single submitter. Criteria: ACMG Guidelines, 2015. Collection method: clinical testing. Allele origin: germline.
Comment: This variant is classified as likely benign based on ACMG/AMP sequence variant interpretation guidelines (Richards et al. 2015 PMID: 25741868, with internal and published modifications).

Blueprint Genetics
Classification: Likely benign. Last evaluated: 2024-11-06. Review status: criteria provided, single submitter. Criteria: ACMG Guidelines, 2015. Collection method: clinical testing. Allele origin: germline.

CeGaT Center for Human Genetics Tuebingen
Classification: Likely benign. Last evaluated: 2024-10-01. Review status: criteria provided, single submitter. Criteria: CeGaT Center For Human Genetics Tuebingen Variant Classification Criteria Version 2. Collection method: clinical testing. Allele origin: germline. Affected: yes. Observed: 3 variant alleles.
Comment: TTN: BP4

Women's Health and Genetics/Laboratory Corporation of America, LabCorp
Classification: Uncertain significance. Last evaluated: 2023-06-26. Review status: criteria provided, single submitter. Criteria: LabCorp Variant Classification Summary - May 2015. Collection method: clinical testing. Allele origin: germline.
Comment: Variant summary: TTN c.48551C>T (p.Pro16184Leu) results in a non-conservative amino acid change located in the A-band of the encoded protein sequence. Two of four in-silico tools predict a benign effect of the variant on protein function. The variant allele was found at a frequency of 0.00017 in 247942 control chromosomes (gnomAD). c.48551C>T has been reported in the literature in individuals affected with dilated cardiomyopathy or sudden unexplained death without strong evidence of causality (Mates_2018, Campuzano_2015, Forleo_2017). These reports do not provide unequivocal conclusions about association of the variant with Limb-Girdle Muscular Dystrophy, Type 2J. The following publications have been ascertained in the context of this evaluation (PMID: 29511324, 26516846, 28750076). To our knowledge, no experimental evidence demonstrating an impact on protein function has been reported. Seven submitters have cited clinical-significance assessments for this variant to ClinVar after 2014, and classified it as uncertain significance (n=6) or likely benign (n=1). Based on the evidence outlined above, the variant was classified as uncertain significance.

Mayo Clinic Laboratories, Mayo Clinic
Classification: Uncertain significance. Last evaluated: 2022-06-21. Review status: criteria provided, single submitter. Criteria: ACMG Guidelines, 2015. Collection method: clinical testing. Allele origin: germline. Observed: 1 variant allele.
Comment: BP4

GeneDx
Classification: Likely benign. Last evaluated: 2022-05-10. Review status: criteria provided, single submitter. Criteria: GeneDx Variant Classification Process June 2021. Collection method: clinical testing. Allele origin: germline. Affected: yes.
Comment: See Variant Classification Assertion Criteria.

Revvity Omics, Revvity
Classification: Uncertain significance. Last evaluated: 2021-10-27. Review status: criteria provided, single submitter. Criteria: ACMG Guidelines, 2015. Collection method: clinical testing. Allele origin: germline.

Fulgent Genetics
Classification: Uncertain significance for Tibial muscular dystrophy; Myopathy, myofibrillar, 9, with early respiratory failure; Dilated cardiomyopathy 1G; Autosomal recessive limb-girdle muscular dystrophy type 2J; Early-onset myopathy with fatal cardiomyopathy; Hypertrophic cardiomyopathy 9. Last evaluated: 2018-10-31. Review status: criteria provided, single submitter. Criteria: ACMG Guidelines, 2015. Collection method: clinical testing. Allele origin: unknown.

Ambry Genetics
Classification: Uncertain significance for Cardiovascular phenotype. Last evaluated: 2018-03-28. Review status: criteria provided, single submitter. Criteria: Ambry Variant Classification Scheme 2023. Collection method: clinical testing. Allele origin: germline.
Comment: The p.P9687L variant (also known as c.29060C>T), located in coding exon 116 of the TTN gene, results from a C to T substitution at nucleotide position 29060. The proline at codon 9687 is replaced by leucine, an amino acid with similar properties. This alteration has been reported as p.P16184L (c.48551C>T) as a secondary cardiac variant in an exome cohort using the NM_133378.4 isoform (Ng D et al. Circ Cardiovasc Genet. 2013;6(4):337-46). This alteration was also reported in a subject with dilated cardiomyopathy (DCM) who also had variants in other cardiac-related genes (Forleo C et al. PLoS ONE, 2017 Jul;12:e0181842). This amino acid position is not well conserved in available vertebrate species. In addition, this alteration is predicted to be tolerated by in silico analysis. Since supporting evidence is limited at this time, the clinical significance of this variant remains unclear.

Labcorp Genetics (formerly Invitae), Labcorp
Classification: Uncertain significance for Dilated cardiomyopathy 1G; Autosomal recessive limb-girdle muscular dystrophy type 2J. Last evaluated: 2018-01-02. Review status: criteria provided, single submitter. Criteria: Invitae Variant Classification Sherloc (09022015). Collection method: clinical testing. Allele origin: germline.

Athena Diagnostics
Classification: Uncertain significance. Last evaluated: 2017-08-28. Review status: criteria provided, single submitter. Criteria: Athena Diagnostics Criteria. Collection method: clinical testing. Allele origin: germline.

Genetic Services Laboratory, University of Chicago
Classification: Uncertain significance. Last evaluated: 2016-03-04. Review status: criteria provided, single submitter. Criteria: ACMG Guidelines, 2015. Collection method: clinical testing. Allele origin: germline. Affected: no.

Biesecker Lab/Clinical Genomics Section, National Institutes of Health
Classification: Uncertain significance. Last evaluated: 2013-06-24. Review status: criteria provided, single submitter. Criteria: Ng et al. (Circ Cardiovasc Genet. 2013). Collection method: research. Allele origin: unknown. Observed: 1 variant allele. Study: ClinSeq.
Comment: The study set was not selected for affection status in relation to any cancer. Pathogenicity categories were based on literature curation. See Pubmed ID:23861362 for details.

Medical sequencing

Literature cited by the submitters: PubMed 28750076 (cited by Women's Health and Genetics/Laboratory Corporation of America, LabCorp and Ambry Genetics); PubMed 29511324 (cited by Women's Health and Genetics/Laboratory Corporation of America, LabCorp); PubMed 26516846 (cited by Women's Health and Genetics/Laboratory Corporation of America, LabCorp); PubMed 23861362 (cited by Ambry Genetics).

NM_001267550.2(TTN):c.56255C>T (p.Pro18752Leu)

Genes: TTN-AS1 (TTN antisense RNA 1; plus strand), TTN (titin; minus strand). Cytogenetic location: 2q31.2.
Variant type: single nucleotide variant.
Coding change: c.56255C>T on transcript NM_001267550.2 (MANE Select); coding-DNA position 56255, C replaced by T.
Protein change: p.Pro18752Leu; replaces proline 18752 with leucine.
Molecular consequence: missense variant. On other transcripts: non-coding transcript variant (1).
Genome position (GRCh38, 1-based): chr2:178,599,646, G>A on the plus strand (C>T on the coding strand, the complement: TTN is on the minus strand). VCF-style: chr2-178599646-G-A. GRCh37 (hg19) VCF-style: chr2-179464373-G-A.
Other names: p.Pro17111Leu; c.56255C>T (LRG_391t1); c.51332C>T, p.Pro17111Leu (NM_001256850.1); c.29060C>T, p.Pro9687Leu (NM_003319.4); c.48551C>T, p.Pro16184Leu (NM_133378.4); c.29435C>T, p.Pro9812Leu (NM_133432.3); c.29636C>T, p.Pro9879Leu (NM_133437.4); short protein forms P16184L, P18752L, P9687L, P17111L, P9879L, P9812L.
Identifiers: ClinVar variation 191939 (VCV000191939.62), dbSNP rs200132226, ClinGen allele CA237921.